The following is an entry in ClinVar:

NM_001046.3(SLC12A2):c.45G>A (p.Leu15=)

Genes: SLC12A2 (solute carrier family 12 member 2; plus strand), LOC129994526 (ATAC-STARR-seq lymphoblastoid silent region 16295; plus strand). Cytogenetic location: 5q23.3.
Variant type: single nucleotide variant.
Coding change: c.45G>A on transcript NM_001046.3 (MANE Select); coding-DNA position 45, G replaced by A.
Protein change: p.Leu15=; no amino-acid change (leucine 15 retained).
Molecular consequence: synonymous variant. On other transcripts: non-coding transcript variant (1).
Genome position (GRCh38, 1-based): chr5:128,083,999, G>A. VCF-style: chr5-128083999-G-A. GRCh37 (hg19) VCF-style: chr5-127419691-G-A.
Other names: c.45G>A, p.Leu15= (NM_001256461.2).
Identifiers: ClinVar variation 3389157 (VCV003389157.14).

ClinVar aggregate classification (germline): Likely benign (1 of 4 stars; one submission).

gnomAD v4.1: 30 of 1,252,078 alleles (0.0024%); highest among the groups gnomAD compares: South Asian, 0.0031%; no homozygotes.

Submission:

CeGaT Center for Human Genetics Tuebingen
Classification: Likely benign. Last evaluated: 2024-10-01. Review status: criteria provided, single submitter. Criteria: CeGaT Center For Human Genetics Tuebingen Variant Classification Criteria Version 2. Collection method: clinical testing. Allele origin: germline. Affected: yes. Observed: 1 variant allele.
Comment: SLC12A2: BP4, BP7